The following is an entry in ClinVar:

ClinVar aggregate classification (germline): Uncertain significance (1 of 4 stars; one submission).

Conditions:
Inborn genetic diseases. Identifiers: MedGen C0950123, MeSH D030342.

Submission:

Ambry Genetics
Classification: Uncertain significance for Inborn genetic diseases. Last evaluated: 2025-05-05. Review status: criteria provided, single submitter. Criteria: Ambry Variant Classification Scheme 2023. Collection method: clinical testing. Allele origin: germline.
Comment: The p.G804R variant (also known as c.2410G>A), located in coding exon 13 of the ASXL1 gene, results from a G to A substitution at nucleotide position 2410. The glycine at codon 804 is replaced by arginine, an amino acid with dissimilar properties. This amino acid position is conserved. In addition, this alteration is predicted to be tolerated by in silico analysis. Based on the available evidence, the clinical significance of this variant remains unclear.

NM_015338.6(ASXL1):c.2410G>A (p.Gly804Arg)

Gene: ASXL1 (ASXL transcriptional regulator 1; plus strand). Cytogenetic location: 20q11.21.
Variant type: single nucleotide variant.
Coding change: c.2410G>A on transcript NM_015338.6 (MANE Select); coding-DNA position 2410, G replaced by A.
Protein change: p.Gly804Arg; replaces glycine 804 with arginine.
Molecular consequence: missense variant.
Genome position (GRCh38, 1-based): chr20:32,435,122, G>A. VCF-style: chr20-32435122-G-A. GRCh37 (hg19) VCF-style: chr20-31022925-G-A.
Other names: c.2227G>A, p.Gly743Arg (NM_001363734.1); short protein forms G743R, G804R.
Identifiers: ClinVar variation 3956706 (VCV003956706.1).
Genomic context (GRCh38, chr20:32,435,122, plus strand): 5'-GATGTTAGAACTGAATGTGAGTCTGGCACCACTTCCTGGGAAAGTGATGATGAGGAGCAA[G>A]GACCCACCGTTCCTGCAGACAATGGTCCCATTCCGTCTCTAGTGGGAGATGATACATTAG-3'
Protein context (NP_056153.2, residues 794-814): TSWESDDEEQ[Gly804Arg]PTVPADNGPI